The following is an entry in ClinVar:

ClinVar aggregate classification (germline): Uncertain significance (1 of 4 stars; one submission).

Submission:

GeneDx
Classification: Uncertain significance. Last evaluated: 2018-01-31. Review status: criteria provided, single submitter. Criteria: GeneDx Variant Classification (06012015). Collection method: clinical testing. Allele origin: germline. Affected: yes.
Comment: The c.1517_1521delTCTTTinsCCAAGCAA variant in the SYNJ1 gene has not been reported previously as a pathogenic variant, nor as a benign variant, to our knowledge. The c.1517_1521delTCTTTinsCCAAGCAA variant results in an in-frame deletion of 2 amino acids at Phenylalanine 506 and an insertion of 3 incorrect amino acid residues, denoted p.F506_F507delinsSKQ. The c.1517_1521delTCTTTinsCCAAGCAA variant is not observed in large population cohorts (Lek et al., 2016). In-silico analyses, including protein predictors and evolutionary conservation, support a deleterious effect. / support that this variant does not alter protein structure/function. We interpret c.1517_1521delTCTTTinsCCAAGCAA as a variant of uncertain significance.

NM_203446.3(SYNJ1):c.1400_1404delinsCCAAGCAA (p.Phe467_Phe468delinsSerLysGln)

Gene: SYNJ1 (synaptojanin 1; minus strand). Cytogenetic location: 21q22.11.
Variant type: Indel.
Coding change: c.1400_1404delinsCCAAGCAA on transcript NM_203446.3 (MANE Select); coding-DNA positions 1400 to 1404, TCTTT replaced by CCAAGCAA.
Protein change: p.Phe467_Phe468delinsSerLysGln.
Molecular consequence: inframe indel.
Genome position (GRCh38, 1-based): chr21:32,678,751-32,678,755, AAAGA replaced by TTGCTTGG on the plus strand (TCTTT replaced by CCAAGCAA on the coding strand, the reverse complement: SYNJ1 is on the minus strand). VCF-style: chr21-32678751-AAAGA-TTGCTTGG. GRCh37 (hg19) VCF-style: chr21-34051061-AAAGA-TTGCTTGG.
Other names: c.1517_1521delTCTTTinsCCAAGCAA (NM_003895.3); c.1400_1404delTCTTTinsCCAAGCAA, p.Phe467_Phe468delinsSerLysGln (NM_001160302.2); c.1409_1413delinsCCAAGCAA, p.Phe470_Phe471delinsSerLysGln (NM_001160306.2); c.1517_1521delTCTTTinsCCAAGCAA, p.Phe506_Phe507delinsSerLysGln (NM_003895.4).
Identifiers: ClinVar variation 504271 (VCV000504271.1), dbSNP rs1555900406, ClinGen allele CA658799408.